The following is an entry in ClinVar:

ClinVar aggregate classification (germline): Uncertain significance. Review status: criteria provided, multiple submitters, no conflicts (2 of 4 stars). 2 submissions from 2 submitters: Uncertain significance (2). Last evaluated 2025-09-09.

Conditions:
Inborn genetic diseases. Identifiers: MedGen C0950123, MeSH D030342.

Allele frequency attached by ClinVar (database versions not stated): ExAC 0.00007; ESP Exome Variant Server 0.00008; gnomAD 0.00008 and 0.00009; TOPMed 0.00010; 1000 Genomes Project 30x 0.00016; 1000 Genomes Project 0.00020.
gnomAD v4.1: 61 of 1,614,198 alleles (0.0038%); highest among the groups gnomAD compares: African/African-American, 0.021%; no homozygotes.

Submissions (2):

Ambry Genetics
Classification: Uncertain significance for Inborn genetic diseases. Last evaluated: 2025-09-09. Review status: criteria provided, single submitter. Criteria: Ambry Variant Classification Scheme 2023. Collection method: clinical testing. Allele origin: germline.

Labcorp Genetics (formerly Invitae), Labcorp
Classification: Uncertain significance. Last evaluated: 2022-05-03. Review status: criteria provided, single submitter. Criteria: Invitae Variant Classification Sherloc (09022015). Collection method: clinical testing. Allele origin: germline.
Comment: This sequence change replaces valine, which is neutral and non-polar, with isoleucine, which is neutral and non-polar, at codon 460 of the EXTL3 protein (p.Val460Ile). This variant is present in population databases (rs370924429, gnomAD 0.02%). This variant has not been reported in the literature in individuals affected with EXTL3-related conditions. Algorithms developed to predict the effect of missense changes on protein structure and function output the following: SIFT: "Tolerated"; PolyPhen-2: "Benign"; Align-GVGD: "Class C0". The isoleucine amino acid residue is found in multiple mammalian species, which suggests that this missense change does not adversely affect protein function. In summary, the available evidence is currently insufficient to determine the role of this variant in disease. Therefore, it has been classified as a Variant of Uncertain Significance.

NM_001440.4(EXTL3):c.1378G>A (p.Val460Ile)

Gene: EXTL3 (exostosin like glycosyltransferase 3; plus strand). Cytogenetic location: 8p21.1.
Variant type: single nucleotide variant.
Coding change: c.1378G>A on transcript NM_001440.4 (MANE Select); coding-DNA position 1378, G replaced by A.
Protein change: p.Val460Ile; replaces valine 460 with isoleucine.
Molecular consequence: missense variant.
Genome position (GRCh38, 1-based): chr8:28,717,437, G>A. VCF-style: chr8-28717437-G-A. GRCh37 (hg19) VCF-style: chr8-28574954-G-A.
Other names: c.1378G>A (NM_001440.2); short protein forms V460I.
Identifiers: ClinVar variation 1394244 (VCV001394244.6), dbSNP rs370924429, ClinGen allele CA4696201.